The following is an entry in ClinVar:

ClinVar aggregate classification (germline): Likely benign. Review status: criteria provided, multiple submitters, no conflicts (2 of 4 stars). 3 submissions from 3 submitters: Likely benign (3). Last evaluated 2026-01-05.

Conditions:
Neuronal ceroid lipofuscinosis. Also called: Neuronal Ceroid Lipofuscinoses. Identifiers: Orphanet 216, Orphanet 79263, MedGen C0027877, MONDO:0016295. Disease mechanism: loss of function.

Allele frequency attached by ClinVar (database versions not stated): gnomAD 0.00002 and 0.00003; ExAC 0.00004; gnomAD exomes 0.00004 and 0.00002; 1000 Genomes Project 0.00040; 1000 Genomes Project 30x 0.00047; TOPMed 0.00002.
gnomAD v4.1: 71 of 1,613,636 alleles (0.0044%); highest among the groups gnomAD compares: Admixed American, 0.0067%; no homozygotes.

Submissions (3):

Labcorp Genetics (formerly Invitae), Labcorp
Classification: Likely benign for Neuronal ceroid lipofuscinosis. Last evaluated: 2026-01-05. Review status: criteria provided, single submitter. Criteria: Invitae Variant Classification Sherloc (09022015). Collection method: clinical testing. Allele origin: germline.

Blueprint Genetics
Classification: Likely benign. Last evaluated: 2024-10-23. Review status: criteria provided, single submitter. Criteria: ACMG Guidelines, 2015. Collection method: clinical testing. Allele origin: germline.

GeneDx
Classification: Likely benign. Last evaluated: 2016-04-28. Review status: criteria provided, single submitter. Criteria: GeneDx Variant Classification (06012015). Collection method: clinical testing. Allele origin: germline. Affected: yes.
Comment: This variant is considered likely benign or benign based on one or more of the following criteria: it is a conservative change, it occurs at a poorly conserved position in the protein, it is predicted to be benign by multiple in silico algorithms, and/or has population frequency not consistent with disease.

NM_001909.5(CTSD):c.69-16G>A

Genes: CTSD (cathepsin D; minus strand), PRADX (PRC2 and DDX5 associated lncRNA; plus strand). Cytogenetic location: 11p15.5.
Variant type: single nucleotide variant.
Coding change: c.69-16G>A on transcript NM_001909.5 (MANE Select); 16 bases into the intron before coding-DNA position 69, G replaced by A.
Molecular consequence: intron variant.
Genome position (GRCh38, 1-based): chr11:1,761,484, C>T on the plus strand (G>A on the coding strand, the complement: CTSD is on the minus strand). VCF-style: chr11-1761484-C-T. GRCh37 (hg19) VCF-style: chr11-1782714-C-T.
Identifiers: ClinVar variation 380541 (VCV000380541.10), dbSNP rs377703110, ClinGen allele CA5814304.